The following is an entry in ClinVar:

ClinVar aggregate classification (germline): Benign/Likely benign. Review status: criteria provided, multiple submitters, no conflicts (2 of 4 stars). 2 submissions from 2 submitters: Benign (1); Likely benign (1). Last evaluated 2026-05-19.

Conditions:
Neurofibromatosis, type 1 (NF1). Also called: Peripheral type neurofibromatosis; Neurofibromatosis, type I; VON RECKLINGHAUSEN DISEASE; NEUROFIBROMATOSIS, TYPE I, SOMATIC. Identifiers: Orphanet 636, MedGen C0027831, MONDO:0018975, OMIM 162200. Disease mechanism: loss of function.

Allele frequency attached by ClinVar (database versions not stated): ExAC 0.00001; gnomAD exomes below 0.00001.
gnomAD v4.1: 1 of 1,614,016 alleles (0.000062%); highest among the groups gnomAD compares: East Asian, 0.0022%; no homozygotes.

Submissions (2):

Myriad Genetics, Inc.
Classification: Benign for Neurofibromatosis, type 1. Last evaluated: 2026-05-19. Review status: criteria provided, single submitter. Criteria: Myriad Autosomal Dominant, Autosomal Recessive and X-Linked Classification Criteria (2023). Collection method: clinical testing. Allele origin: unknown.
Comment: This variant is considered benign. This variant is a silent/synonymous amino acid change and it is not expected to impact splicing.

Labcorp Genetics (formerly Invitae), Labcorp
Classification: Likely benign for Neurofibromatosis, type 1. Last evaluated: 2025-12-10. Review status: criteria provided, single submitter. Criteria: Invitae Variant Classification Sherloc (09022015). Collection method: clinical testing. Allele origin: germline.

NM_001042492.3(NF1):c.4209T>C (p.Gly1403=)

Gene: NF1 (neurofibromin 1; plus strand). Cytogenetic location: 17q11.2.
Variant type: single nucleotide variant.
Coding change: c.4209T>C on transcript NM_001042492.3 (MANE Select); coding-DNA position 4209, T replaced by C.
Protein change: p.Gly1403=; no amino-acid change (glycine 1403 retained).
Molecular consequence: synonymous variant.
Genome position (GRCh38, 1-based): chr17:31,258,379, T>C. VCF-style: chr17-31258379-T-C. GRCh37 (hg19) VCF-style: chr17-29585397-T-C.
Other names: c.4146T>C, p.Gly1382= (NM_000267.4).
Identifiers: ClinVar variation 457682 (VCV000457682.8), dbSNP rs761772247, ClinGen allele CA8486365.